The following is an entry in ClinVar:

NM_002354.3(EPCAM):c.807T>G (p.Ile269Met)

Gene: EPCAM (epithelial cell adhesion molecule; plus strand). Cytogenetic location: 2p21.
Variant type: single nucleotide variant.
Coding change: c.807T>G on transcript NM_002354.3 (MANE Select); coding-DNA position 807, T replaced by G.
Protein change: p.Ile269Met; replaces isoleucine 269 with methionine.
Molecular consequence: missense variant.
Genome position (GRCh38, 1-based): chr2:47,379,918, T>G. VCF-style: chr2-47379918-T-G. GRCh37 (hg19) VCF-style: chr2-47607057-T-G.
Other names: short protein forms I269M.
Identifiers: ClinVar variation 3845304 (VCV003845304.1).
Genomic context (GRCh38, chr2:47,379,918, plus strand): 5'-TTATTATGTTGATGAAAAAGCACCTGAATTCTCAATGCAGGGTCTAAAAGCTGGTGTTAT[T>G]GCTGTTATTGTGGTTGTGGTGATAGCAGTTGTTGCTGGAATTGTTGTGCTGGTGAGTACA-3'
Protein context (NP_002345.2, residues 259-279): FSMQGLKAGV[Ile269Met]AVIVVVVIAV

ClinVar aggregate classification (germline): Uncertain significance (1 of 4 stars; one submission).

Conditions:
Hereditary cancer-predisposing syndrome. Also called: Hereditary neoplastic syndrome; Neoplastic Syndromes, Hereditary; Tumor predisposition; Hereditary Cancer Syndrome. Identifiers: Orphanet 140162, MedGen C0027672, MeSH D009386, MONDO:0015356.

gnomAD v4.1: 3 of 1,614,138 alleles (0.00019%); highest among the groups gnomAD compares: Non-Finnish European, 0.00025%; no homozygotes.

Submission:

Ambry Genetics
Classification: Uncertain significance for Hereditary cancer-predisposing syndrome. Last evaluated: 2025-02-03. Review status: criteria provided, single submitter. Criteria: Ambry Variant Classification Scheme 2023. Collection method: clinical testing. Allele origin: germline.
Comment: The p.I269M variant (also known as c.807T>G), located in coding exon 7 of the EPCAM gene, results from a T to G substitution at nucleotide position 807. The isoleucine at codon 269 is replaced by methionine, an amino acid with highly similar properties. This amino acid position is conserved. In addition, the in silico prediction for this alteration is inconclusive. Based on the available evidence, the clinical significance of this variant remains unclear.